The following is an entry in ClinVar:

ClinVar aggregate classification (germline): Uncertain significance (1 of 4 stars; one submission).

gnomAD v4.1: 3 of 1,614,146 alleles (0.00019%); highest among the groups gnomAD compares: Non-Finnish European, 0.00025%; no homozygotes.

Submission:

Labcorp Genetics (formerly Invitae), Labcorp
Classification: Uncertain significance. Last evaluated: 2025-07-14. Review status: criteria provided, single submitter. Criteria: Invitae Variant Classification Sherloc (09022015). Collection method: clinical testing. Allele origin: germline.
Comment: This sequence change replaces arginine, which is basic and polar, with histidine, which is basic and polar, at codon 632 of the BRD4 protein (p.Arg632His). This variant is present in population databases (no rsID available, gnomAD 0.002%). This variant has not been reported in the literature in individuals affected with BRD4-related conditions. Invitae Evidence Modeling of protein sequence and biophysical properties (such as structural, functional, and spatial information, amino acid conservation, physicochemical variation, residue mobility, and thermodynamic stability) has been performed for this missense variant. However, the output from this modeling did not meet the statistical confidence thresholds required to predict the impact of this variant on BRD4 protein function. In summary, the available evidence is currently insufficient to determine the role of this variant in disease. Therefore, it has been classified as a Variant of Uncertain Significance.

NM_001379291.1(BRD4):c.1895G>A (p.Arg632His)

Gene: BRD4 (bromodomain containing 4; minus strand). Cytogenetic location: 19p13.12.
Variant type: single nucleotide variant.
Coding change: c.1895G>A on transcript NM_001379291.1 (MANE Select); coding-DNA position 1895, G replaced by A.
Protein change: p.Arg632His; replaces arginine 632 with histidine.
Molecular consequence: missense variant.
Genome position (GRCh38, 1-based): chr19:15,255,449, C>T on the plus strand (G>A on the coding strand, the complement: BRD4 is on the minus strand). VCF-style: chr19-15255449-C-T. GRCh37 (hg19) VCF-style: chr19-15366260-C-T.
Other names: c.1895G>A, p.Arg632His (NM_001330384.2, NM_001379292.1, NM_014299.3 and 1 more transcripts); short protein forms R632H.
Identifiers: ClinVar variation 4764582 (VCV004764582.1).